The following is an entry in ClinVar:

NM_004714.3(DYRK1B):c.489C>T (p.Asn163=)

Gene: DYRK1B (dual specificity tyrosine phosphorylation regulated kinase 1B; minus strand). Cytogenetic location: 19q13.2.
Variant type: single nucleotide variant.
Coding change: c.489C>T on transcript NM_004714.3 (MANE Select); coding-DNA position 489, C replaced by T.
Protein change: p.Asn163=; no amino-acid change (asparagine 163 retained).
Molecular consequence: synonymous variant.
Genome position (GRCh38, 1-based): chr19:39,829,911, G>A on the plus strand (C>T on the coding strand, the complement: DYRK1B is on the minus strand). VCF-style: chr19-39829911-G-A. GRCh37 (hg19) VCF-style: chr19-40320551-G-A.
Other names: c.489C>T, p.Asn163= (NM_006483.3, NM_006484.3).
Identifiers: ClinVar variation 3356374 (VCV003356374.1).

ClinVar aggregate classification (germline): Likely benign (0 of 4 stars; one submission).

Conditions:
DYRK1B-related disorder. Also called: DYRK1B-related condition.

gnomAD v4.1: 4 of 1,613,976 alleles (0.00025%); highest among the groups gnomAD compares: East Asian, 0.0045%; no homozygotes.

Submission:

PreventionGenetics, part of Exact Sciences
Classification: Likely benign for DYRK1B-related condition. Last evaluated: 2023-06-07. Review status: no assertion criteria provided. Collection method: clinical testing. Allele origin: germline.
Comment: This variant is classified as likely benign based on ACMG/AMP sequence variant interpretation guidelines (Richards et al. 2015 PMID: 25741868, with internal and published modifications).